The following is an entry in ClinVar:

ClinVar aggregate classification (germline): Uncertain significance (1 of 4 stars; one submission).

Conditions:
Noonan syndrome 9 (NS9). Identifiers: Orphanet 648, MedGen C4225282, MONDO:0014691, OMIM 616559.

Submission:

Clinical Genomics Laboratory, Washington University in St. Louis
Classification: Uncertain significance for Noonan syndrome 9. Last evaluated: 2024-02-05. Review status: criteria provided, single submitter. Criteria: ACMG Guidelines, 2015. Collection method: clinical testing. Allele origin: germline.
Comment: The SOS2 c.3305T>G (p.Val1102Gly) variant, to our knowledge, has not been reported in the medical literature and is absent from the general population (gnomAD v.2.1.1), indicating it is not a common variant. The variant does not lie within the Dbl homology (DH) domain (amino acids 198-388) where most reported pathogenic variants are located (Cordeddu V et al., PMID: 26173643). Computational predictors are uncertain as to the impact of this variant on SOS2 function. Due to limited information, and based on ACMG/AMP guidelines for variant interpretation (Richards S et al., PMID: 25741868), the clinical significance of this variant is uncertain at this time.

NM_006939.4(SOS2):c.3305T>G (p.Val1102Gly)

Gene: SOS2 (SOS Ras/Rho guanine nucleotide exchange factor 2; minus strand). Cytogenetic location: 14q21.3.
Variant type: single nucleotide variant.
Coding change: c.3305T>G on transcript NM_006939.4 (MANE Select); coding-DNA position 3305, T replaced by G.
Protein change: p.Val1102Gly; replaces valine 1102 with glycine.
Molecular consequence: missense variant.
Genome position (GRCh38, 1-based): chr14:50,130,533, A>C on the plus strand (T>G on the coding strand, the complement: SOS2 is on the minus strand). VCF-style: chr14-50130533-A-C. GRCh37 (hg19) VCF-style: chr14-50597251-A-C.
Other names: c.3206T>G, p.Val1069Gly (NM_001411020.1); short protein forms V1069G, V1102G.
Identifiers: ClinVar variation 3236593 (VCV003236593.1), dbSNP rs2502824679, ClinGen allele CA389640400.